The following is an entry in ClinVar:

ClinVar aggregate classification (germline): Benign. Review status: criteria provided, multiple submitters, no conflicts (2 of 4 stars). 4 submissions from 4 submitters: Benign (4). Last evaluated 2026-02-04.

Conditions:
Combined malonic and methylmalonic acidemia. Identifiers: Orphanet 289504, MedGen C3280314, MONDO:0013661, OMIM 614265.

Allele frequency attached by ClinVar (database versions not stated): ESP Exome Variant Server 0.02809; TOPMed 0.02957; gnomAD 0.03381 and 0.03540; gnomAD exomes 0.04086 and 0.04695; ExAC 0.04504; 1000 Genomes Project 30x 0.05309; 1000 Genomes Project 0.05591.
gnomAD v4.1: 65,082 of 1,613,116 alleles (4%); highest among the groups gnomAD compares: East Asian, 13%; 1,815 homozygotes.

Submissions (4):

Labcorp Genetics (formerly Invitae), Labcorp
Classification: Benign for Combined malonic and methylmalonic acidemia. Last evaluated: 2026-02-04. Review status: criteria provided, single submitter. Criteria: Invitae Variant Classification Sherloc (09022015). Collection method: clinical testing. Allele origin: germline.

Mayo Clinic Laboratories, Mayo Clinic
Classification: Benign. Last evaluated: 2023-07-26. Review status: criteria provided, single submitter. Criteria: ACMG Guidelines, 2015. Collection method: clinical testing. Allele origin: germline. Observed: 6 variant alleles.

GeneDx
Classification: Benign. Last evaluated: 2013-08-06. Review status: criteria provided, single submitter. Criteria: GeneDx Variant Classification (06012015). Collection method: clinical testing. Allele origin: germline. Affected: yes.
Comment: This variant is considered likely benign or benign based on one or more of the following criteria: it is a conservative change, it occurs at a poorly conserved position in the protein, it is predicted to be benign by multiple in silico algorithms, and/or has population frequency not consistent with disease.

Breakthrough Genomics
Classification: Benign. Review status: criteria provided, single submitter. Criteria: ACMG Guidelines, 2015. Collection method: not provided. Allele origin: germline. Inheritance: Unknown mechanism. Affected: yes.

NM_001243279.3(ACSF3):c.667-12C>T

Gene: ACSF3 (acyl-CoA synthetase family member 3; plus strand). Cytogenetic location: 16q24.3.
Variant type: single nucleotide variant.
Coding change: c.667-12C>T on transcript NM_001243279.3 (MANE Select); 12 bases into the intron before coding-DNA position 667, C replaced by T.
Molecular consequence: intron variant.
Genome position (GRCh38, 1-based): chr16:89,102,592, C>T. VCF-style: chr16-89102592-C-T. GRCh37 (hg19) VCF-style: chr16-89169000-C-T.
Other names: p.?; c.667-12C>T (NM_001127214.4, NM_174917.5); c.-129-12C>T (NM_001284316.2).
Identifiers: ClinVar variation 136277 (VCV000136277.12), dbSNP rs72817437, ClinGen allele CA289284.